The following is an entry in ClinVar:

ClinVar aggregate classification (germline): Uncertain significance. Review status: criteria provided, multiple submitters, no conflicts (2 of 4 stars). 2 submissions from 2 submitters: Uncertain significance (2). Last evaluated 2024-02-20.

Conditions:
Congenital glucose-galactose malabsorption (GGM). Also called: MONOSACCHARIDE MALABSORPTION; DIARRHEA 16. Identifiers: Orphanet 35710, MedGen C0268186, MONDO:0011731, OMIM 606824.

Allele frequency attached by ClinVar (database versions not stated): TOPMed below 0.00001.

Submissions (2):

Fulgent Genetics
Classification: Uncertain significance for Congenital glucose-galactose malabsorption. Last evaluated: 2024-02-20. Review status: criteria provided, single submitter. Criteria: ACMG Guidelines, 2015. Collection method: clinical testing. Allele origin: germline.

Labcorp Genetics (formerly Invitae), Labcorp
Classification: Uncertain significance for Congenital glucose-galactose malabsorption. Last evaluated: 2022-05-12. Review status: criteria provided, single submitter. Criteria: Invitae Variant Classification Sherloc (09022015). Collection method: clinical testing. Allele origin: germline.
Comment: In summary, the available evidence is currently insufficient to determine the role of this variant in disease. Therefore, it has been classified as a Variant of Uncertain Significance. Algorithms developed to predict the effect of missense changes on protein structure and function (SIFT, PolyPhen-2, Align-GVGD) all suggest that this variant is likely to be disruptive. This variant has not been reported in the literature in individuals affected with SLC5A1-related conditions. This variant is not present in population databases (gnomAD no frequency). This sequence change replaces tryptophan, which is neutral and slightly polar, with glycine, which is neutral and non-polar, at codon 103 of the SLC5A1 protein (p.Trp103Gly).

NM_000343.4(SLC5A1):c.307T>G (p.Trp103Gly)

Gene: SLC5A1 (solute carrier family 5 member 1; plus strand). Cytogenetic location: 22q12.3.
Variant type: single nucleotide variant.
Coding change: c.307T>G on transcript NM_000343.4 (MANE Select); coding-DNA position 307, T replaced by G.
Protein change: p.Trp103Gly; replaces tryptophan 103 with glycine.
Molecular consequence: missense variant. On other transcripts: 5 prime UTR variant (1).
Genome position (GRCh38, 1-based): chr22:32,067,034, T>G. VCF-style: chr22-32067034-T-G. GRCh37 (hg19) VCF-style: chr22-32463021-T-G.
Other names: c.-75T>G (NM_001256314.2); short protein forms W103G.
Identifiers: ClinVar variation 1920413 (VCV001920413.6), dbSNP rs2093974548, ClinGen allele CA411314338.